The following is an entry in ClinVar:

ClinVar aggregate classification (germline): Likely benign. Review status: criteria provided, multiple submitters, no conflicts (2 of 4 stars). 3 submissions from 3 submitters: Likely benign (3). Last evaluated 2025-10-22.

Conditions:
C1QTNF5-related disorder. Also called: C1QTNF5-related condition.

Allele frequency attached by ClinVar (database versions not stated): ExAC 0.00001; gnomAD 0.00001; TOPMed 0.00001; gnomAD exomes 0.00002.
gnomAD v4.1: 25 of 1,611,074 alleles (0.0016%); highest among the groups gnomAD compares: Non-Finnish European, 0.0021%; no homozygotes.

Submissions (3):

Labcorp Genetics (formerly Invitae), Labcorp
Classification: Likely benign. Last evaluated: 2025-10-22. Review status: criteria provided, single submitter. Criteria: Invitae Variant Classification Sherloc (09022015). Collection method: clinical testing. Allele origin: germline.

PreventionGenetics, part of Exact Sciences
Classification: Likely benign for C1QTNF5-related condition. Last evaluated: 2025-04-13. Review status: criteria provided, single submitter. Criteria: ACMG Guidelines, 2015. Collection method: clinical testing. Allele origin: germline.
Comment: This variant is classified as likely benign based on ACMG/AMP sequence variant interpretation guidelines (Richards et al. 2015 PMID: 25741868, with internal and published modifications).

Blueprint Genetics
Classification: Likely benign. Last evaluated: 2024-08-16. Review status: criteria provided, single submitter. Criteria: ACMG Guidelines, 2015. Collection method: clinical testing. Allele origin: germline.

NM_001278431.2(C1QTNF5):c.390G>A (p.Val130=)

Genes: C1QTNF5 (C1q and TNF related 5; minus strand), MFRP (membrane frizzled-related protein; minus strand). Cytogenetic location: 11q23.3.
Variant type: single nucleotide variant.
Coding change: c.390G>A on transcript NM_001278431.2 (MANE Select); coding-DNA position 390, G replaced by A.
Protein change: p.Val130=; no amino-acid change (valine 130 retained).
Molecular consequence: synonymous variant. On other transcripts: 3 prime UTR variant (1).
Genome position (GRCh38, 1-based): chr11:119,339,673, C>T on the plus strand (G>A on the coding strand, the complement: C1QTNF5 is on the minus strand). VCF-style: chr11-119339673-C-T. GRCh37 (hg19) VCF-style: chr11-119210383-C-T.
Other names: c.390G>A, p.Val130= (NM_015645.5); c.*1286G>A (NM_031433.4); c.390G>A (NM_001278431.1).
Identifiers: ClinVar variation 2165718 (VCV002165718.6), dbSNP rs752412062, ClinGen allele CA6319949.